The following is an entry in ClinVar:

ClinVar aggregate classification (germline): Uncertain significance (1 of 4 stars; one submission).

Conditions:
Atypical hemolytic-uremic syndrome. Identifiers: Orphanet 2134, MedGen C2931788, MONDO:0016244.

Submission:

Genomenon, Inc
Classification: Uncertain significance for Atypical hemolytic-uremic syndrome. Last evaluated: 2025-10-02. Review status: criteria provided, single submitter. Criteria: Genomenon Sequence Variant Interpretation Standards. Collection method: curation. Allele origin: germline. Affected: yes.
Comment: CD46 p.Cys157Tyr (c.470G>A) is a missense variant that changes the amino acid at residue 157 from Cysteine to Tyrosine. This variant has been observed in at least one proband affected with atypical hemolytic-uremic syndrome (PMID:26559391). It is absent or not present at a significant frequency in gnomAD. In silico models agree that this variant is possibly or probably damaging. In conclusion, we classify CD46 p.Cys157Tyr (c.470G>A) as a variant of uncertain significance.

Literature cited by the submitters: PubMed 26559391.

NM_172351.3(CD46):c.470G>A (p.Cys157Tyr)

Gene: CD46 (CD46 molecule; plus strand). Cytogenetic location: 1q32.2.
Variant type: single nucleotide variant.
Coding change: c.470G>A on transcript NM_172351.3 (MANE Select); coding-DNA position 470, G replaced by A.
Protein change: p.Cys157Tyr; replaces cysteine 157 with tyrosine.
Molecular consequence: missense variant.
Genome position (GRCh38, 1-based): chr1:207,759,719, G>A. VCF-style: chr1-207759719-G-A. GRCh37 (hg19) VCF-style: chr1-207933064-G-A.
Other names: c.470G>A, p.Cys157Tyr (NM_002389.4, NM_153826.4, NM_172350.3 and 8 more transcripts); short protein forms C157Y.
Identifiers: ClinVar variation 4291277 (VCV004291277.1).